The following is an entry in ClinVar:

NM_001136193.2(FASTKD2):c.171C>G (p.Asn57Lys)

Gene: FASTKD2 (FAST kinase domains 2; plus strand). Cytogenetic location: 2q33.3.
Variant type: single nucleotide variant.
Coding change: c.171C>G on transcript NM_001136193.2 (MANE Select); coding-DNA position 171, C replaced by G.
Protein change: p.Asn57Lys; replaces asparagine 57 with lysine.
Molecular consequence: missense variant.
Genome position (GRCh38, 1-based): chr2:206,766,864, C>G. VCF-style: chr2-206766864-C-G. GRCh37 (hg19) VCF-style: chr2-207631588-C-G.
Other names: c.171C>G, p.Asn57Lys (NM_001136194.2, NM_014929.4); short protein forms N57K.
Identifiers: ClinVar variation 3371403 (VCV003371403.1).

ClinVar aggregate classification (germline): Uncertain significance (1 of 4 stars; one submission).

gnomAD v4.1: 2 of 1,604,156 alleles (0.00012%); highest among the groups gnomAD compares: African/African-American, 0.0027%; no homozygotes.

Submission:

GeneDx
Classification: Uncertain significance. Last evaluated: 2024-03-26. Review status: criteria provided, single submitter. Criteria: GeneDx Variant Classification Process June 2021. Collection method: clinical testing. Allele origin: germline. Affected: yes.
Comment: Not observed at significant frequency in large population cohorts (gnomAD); In silico analysis supports that this missense variant has a deleterious effect on protein structure/function; Has not been previously published as pathogenic or benign to our knowledge